The following is an entry in ClinVar:

ClinVar aggregate classification (germline): Uncertain significance (1 of 4 stars; one submission).

Conditions:
Familial cancer of breast. Also called: BREAST CANCER, FAMILIAL; hereditary breast carcinoma; Hereditary breast cancer. Identifiers: Orphanet 227535, MedGen C0346153, MONDO:0016419, OMIM 114480. Disease mechanism: loss of function.
Fanconi anemia complementation group J. Also called: BRIP1-Related Fanconi Anemia. Identifiers: Orphanet 84, MedGen C1836860, MONDO:0012187, OMIM 609054.

Submission:

Labcorp Genetics (formerly Invitae), Labcorp
Classification: Uncertain significance for Familial cancer of breast; Fanconi anemia complementation group J. Last evaluated: 2025-11-19. Review status: criteria provided, single submitter. Criteria: Invitae Variant Classification Sherloc (09022015). Collection method: clinical testing. Allele origin: germline.
Comment: This sequence change replaces proline, which is neutral and non-polar, with serine, which is neutral and polar, at codon 574 of the BRIP1 protein (p.Pro574Ser). This variant is not present in population databases (gnomAD no frequency). This variant has not been reported in the literature in individuals affected with BRIP1-related conditions. ClinVar contains an entry for this variant (Variation ID: 2954144). Invitae Evidence Modeling of protein sequence and biophysical properties (such as structural, functional, and spatial information, amino acid conservation, physicochemical variation, residue mobility, and thermodynamic stability) indicates that this missense variant is not expected to disrupt BRIP1 protein function with a negative predictive value of 95%. In summary, the available evidence is currently insufficient to determine the role of this variant in disease. Therefore, it has been classified as a Variant of Uncertain Significance.

NM_032043.3(BRIP1):c.1720C>T (p.Pro574Ser)

Gene: BRIP1 (BRCA1 interacting DNA helicase 1; minus strand). Cytogenetic location: 17q23.2.
Variant type: single nucleotide variant.
Coding change: c.1720C>T on transcript NM_032043.3 (MANE Select); coding-DNA position 1720, C replaced by T.
Protein change: p.Pro574Ser; replaces proline 574 with serine.
Molecular consequence: missense variant.
Genome position (GRCh38, 1-based): chr17:61,780,914, G>A on the plus strand (C>T on the coding strand, the complement: BRIP1 is on the minus strand). VCF-style: chr17-61780914-G-A. GRCh37 (hg19) VCF-style: chr17-59858275-G-A.
Other names: short protein forms P574S.
Identifiers: ClinVar variation 2954144 (VCV002954144.3), dbSNP rs2145093621, ClinGen allele CA400480392.